The following is an entry in ClinVar:

ClinVar aggregate classification (germline): Conflicting classifications of pathogenicity. Review status: criteria provided, conflicting classifications (1 of 4 stars). 3 submissions from 3 submitters: Uncertain significance (1); Likely benign (1). 1 of the submissions does not count toward it. Last evaluated 2023-05-01.

Conditions:
Susceptibility to nonsyndromic otitis media.

Allele frequency attached by ClinVar (database versions not stated): gnomAD exomes 0.00443 and 0.00484; ESP Exome Variant Server 0.00453; 1000 Genomes Project 30x 0.00328; 1000 Genomes Project 0.00359; gnomAD 0.00411 and 0.00424; TOPMed 0.00425; ExAC 0.00624.
gnomAD v4.1: 7,753 of 1,612,826 alleles (0.48%); highest among the groups gnomAD compares: Middle Eastern, 1.8%; 27 homozygotes.

Submissions (3):

CeGaT Center for Human Genetics Tuebingen
Classification: Likely benign. Last evaluated: 2023-05-01. Review status: criteria provided, single submitter. Criteria: CeGaT Center For Human Genetics Tuebingen Variant Classification Criteria Version 2. Collection method: clinical testing. Allele origin: germline. Affected: yes. Observed: 2 variant alleles.
Comment: CDHR3: BP4, BS2

Breakthrough Genomics
Classification: Uncertain significance. Review status: criteria provided, single submitter. Criteria: ACMG Guidelines, 2015. Collection method: not provided. Allele origin: germline. Inheritance: Autosomal recessive inheritance. Affected: yes.

Santos-Cortez Lab, University of Colorado School of Medicine
Classification: Uncertain significance for Susceptibility to nonsyndromic otitis media. Last evaluated: 2013-02-01. Review status: no assertion criteria provided. Collection method: research. Allele origin: germline. Affected: yes. Not counted in ClinVar's aggregate classification.

NM_152750.5(CDHR3):c.1516C>T (p.Leu506Phe)

Gene: CDHR3 (cadherin related family member 3; plus strand). Cytogenetic location: 7q22.3.
Variant type: single nucleotide variant.
Coding change: c.1516C>T on transcript NM_152750.5 (MANE Select); coding-DNA position 1516, C replaced by T.
Protein change: p.Leu506Phe; replaces leucine 506 with phenylalanine.
Molecular consequence: missense variant.
Genome position (GRCh38, 1-based): chr7:106,017,935, C>T. VCF-style: chr7-106017935-C-T. GRCh37 (hg19) VCF-style: chr7-105658381-C-T.
Other names: c.1516C>T (p.(Leu506Phe)); c.1252C>T, p.Leu418Phe (NM_001301161.2); short protein forms L418F, L506F.
Identifiers: ClinVar variation 1294433 (VCV001294433.26), dbSNP rs76067797, ClinGen allele CA4427897.